The following is an entry in ClinVar:

NM_001010909.5(MUC21):c.1026C>T (p.Ala342=)

Genes: MUC21 (mucin 21, cell surface associated; plus strand), LOC126859647 (CDK7 strongly-dependent group 2 enhancer GRCh37_chr6:30954612-30955811; plus strand). Cytogenetic location: 6p21.33.
Variant type: single nucleotide variant.
Coding change: c.1026C>T on transcript NM_001010909.5 (MANE Select); coding-DNA position 1026, C replaced by T.
Protein change: p.Ala342=; no amino-acid change (alanine 342 retained).
Molecular consequence: synonymous variant. On other transcripts: non-coding transcript variant (1).
Genome position (GRCh38, 1-based): chr6:30,987,201, C>T. VCF-style: chr6-30987201-C-T. GRCh37 (hg19) VCF-style: chr6-30954978-C-T.
Other names: c.1116C>T, p.Ala372= (NM_001322370.2); c.1116C>T, p.Ile372= (NM_001322371.2).
Identifiers: ClinVar variation 2656368 (VCV002656368.24), dbSNP rs149178110, ClinGen allele CA3707391.
Genomic context (GRCh38, chr6:30,987,201, plus strand): 5'-AACCTCCAGTGGGGCCAGCACAGCCACCAACTCTGAGTCCAGCACGACCTCCAGTGGGGC[C>T]AGCACAGCCACCAACTCTGAGTCCAGCACAACCTCCAGTGGGGCCAGCACAGCCACCAAC-3'
Protein context (NP_001010909.2, residues 332-352): NSESSTTSSG[Ala342=]STATNSESST

ClinVar aggregate classification (germline): Likely benign (1 of 4 stars; one submission).

Allele frequency attached by ClinVar (database versions not stated): gnomAD 0.00040; ExAC 0.00082.

Submission:

CeGaT Center for Human Genetics Tuebingen
Classification: Likely benign. Last evaluated: 2023-08-01. Review status: criteria provided, single submitter. Criteria: CeGaT Center For Human Genetics Tuebingen Variant Classification Criteria Version 2. Collection method: clinical testing. Allele origin: germline. Affected: yes. Observed: 1 variant allele.
Comment: MUC21: BP4, BP7